The following is an entry in ClinVar:

NM_012330.4(KAT6B):c.4760C>A (p.Thr1587Lys)

Gene: KAT6B (lysine acetyltransferase 6B; plus strand). Cytogenetic location: 10q22.2.
Variant type: single nucleotide variant.
Coding change: c.4760C>A on transcript NM_012330.4 (MANE Select); coding-DNA position 4760, C replaced by A.
Protein change: p.Thr1587Lys; replaces threonine 1587 with lysine.
Molecular consequence: missense variant.
Genome position (GRCh38, 1-based): chr10:75,029,584, C>A. VCF-style: chr10-75029584-C-A. GRCh37 (hg19) VCF-style: chr10-76789342-C-A.
Other names: c.4211C>A, p.Thr1404Lys (NM_001256468.2, NM_001370138.1); c.3884C>A, p.Thr1295Lys (NM_001256469.2, NM_001370139.1, NM_001370140.1 and 2 more transcripts); c.2417C>A, p.Thr806Lys (NM_001370135.1); c.4760C>A, p.Thr1587Lys (NM_001370136.1, NM_001370137.1); c.3722C>A, p.Thr1241Lys (NM_001370132.1); c.3071C>A, p.Thr1024Lys (NM_001370133.1); c.2675C>A, p.Thr892Lys (NM_001370134.1); c.3695C>A, p.Thr1232Lys (NM_001370143.1, NM_001370144.1); short protein forms T1232K, T1587K, T806K, T1295K, T1241K, T1404K, T892K, T1024K.
Identifiers: ClinVar variation 2887701 (VCV002887701.3), dbSNP rs145636342, ClinGen allele CA377298585.
Genomic context (GRCh38, chr10:75,029,584, plus strand): 5'-AGGCCTGTAGAAGCCTACAGAACTACACCCGTGCAGACCAAAGTCCACAGATTGCCACCA[C>A]GCTCGACGATTGCCAACAGTCGGACCACAGTAGCCCAGTTTCATCCGTCCACTCCCATCC-3'
Protein context (NP_036462.2, residues 1577-1597): RADQSPQIAT[Thr1587Lys]LDDCQQSDHS

ClinVar aggregate classification (germline): Uncertain significance. Review status: criteria provided, multiple submitters, no conflicts (2 of 4 stars). 2 submissions from 2 submitters: Uncertain significance (2). Last evaluated 2024-03-25.

Conditions:
Genitopatellar syndrome (GTPTS). Also called: ABSENT PATELLAE, SCROTAL HYPOPLASIA, RENAL ANOMALIES, FACIAL DYSMORPHISM, AND MENTAL RETARDATION; Genitopatellar syndrome (GPS). Identifiers: Orphanet 85201, MedGen C1853566, MONDO:0011640, OMIM 606170.

gnomAD v4.1: 3 of 1,614,180 alleles (0.00019%); highest among the groups gnomAD compares: Non-Finnish European, 0.00025%; no homozygotes.

Submissions (2):

Blueprint Genetics
Classification: Uncertain significance. Last evaluated: 2024-03-25. Review status: criteria provided, single submitter. Criteria: ACMG Guidelines, 2015. Collection method: clinical testing. Allele origin: germline.

Labcorp Genetics (formerly Invitae), Labcorp
Classification: Uncertain significance for Genitopatellar syndrome. Last evaluated: 2023-07-22. Review status: criteria provided, single submitter. Criteria: Invitae Variant Classification Sherloc (09022015). Collection method: clinical testing. Allele origin: germline.
Comment: In summary, the available evidence is currently insufficient to determine the role of this variant in disease. Therefore, it has been classified as a Variant of Uncertain Significance. Advanced modeling of protein sequence and biophysical properties (such as structural, functional, and spatial information, amino acid conservation, physicochemical variation, residue mobility, and thermodynamic stability) performed at Invitae indicates that this missense variant is not expected to disrupt KAT6B protein function. This variant has not been reported in the literature in individuals affected with KAT6B-related conditions. This variant is present in population databases (no rsID available, gnomAD 0.0009%). This sequence change replaces threonine, which is neutral and polar, with lysine, which is basic and polar, at codon 1587 of the KAT6B protein (p.Thr1587Lys).